The following is an entry in ClinVar:

NM_001370259.2(MEN1):c.1700C>A (p.Ala567Asp)

Gene: MEN1 (menin 1; minus strand). Cytogenetic location: 11q13.1.
Variant type: single nucleotide variant.
Coding change: c.1700C>A on transcript NM_001370259.2 (MANE Select); coding-DNA position 1700, C replaced by A.
Protein change: p.Ala567Asp; replaces alanine 567 with aspartic acid.
Molecular consequence: missense variant. On other transcripts: non-coding transcript variant (4).
Genome position (GRCh38, 1-based): chr11:64,804,467, G>T on the plus strand (C>A on the coding strand, the complement: MEN1 is on the minus strand). VCF-style: chr11-64804467-G-T. GRCh37 (hg19) VCF-style: chr11-64571939-G-T.
Other names: c.1715C>A, p.Ala572Asp (NM_000244.4, NM_001407145.1, NM_130800.3 and 4 more transcripts); c.1826C>A, p.Ala609Asp (NM_001370251.2, NM_001407142.1, NM_001407143.1 and 1 more transcripts); c.1700C>A, p.Ala567Asp (NM_001370260.2, NM_001370261.2, NM_001407146.1 and 2 more transcripts); c.1595C>A, p.Ala532Asp (NM_001370262.2, NM_001370263.2, NM_001407148.1 and 1 more transcripts); c.1841C>A, p.Ala614Asp (NM_001407150.1); c.1721C>A, p.Ala574Asp (NM_001407151.1); c.1535C>A, p.Ala512Asp (NM_001407152.1); short protein forms A609D, A512D, A567D, A532D, A574D, A614D, A572D.
Identifiers: ClinVar variation 5024274 (VCV005024274.1).

ClinVar aggregate classification (germline): Uncertain significance (1 of 4 stars; one submission).

Conditions:
Hereditary cancer-predisposing syndrome. Also called: Neoplastic Syndromes, Hereditary; Tumor predisposition; Hereditary neoplastic syndrome; Hereditary Cancer Syndrome. Identifiers: Orphanet 140162, MedGen C0027672, MeSH D009386, MONDO:0015356.

Submission:

Ambry Genetics
Classification: Uncertain significance for Hereditary cancer-predisposing syndrome. Last evaluated: 2026-07-02. Review status: criteria provided, single submitter. Criteria: Ambry Variant Classification Scheme 2023. Collection method: clinical testing. Allele origin: germline.
Comment: The p.A567D variant (also known as c.1700C>A), located in coding exon 9 of the MEN1 gene, results from a C to A substitution at nucleotide position 1700. The alanine at codon 567 is replaced by aspartic acid, an amino acid with dissimilar properties. This amino acid position is conserved. In addition, this alteration is predicted to be deleterious by in silico analysis. Based on the available evidence, the clinical significance of this variant remains unclear.